The following is an entry in ClinVar:

ClinVar aggregate classification (germline): Pathogenic/Likely pathogenic. Review status: criteria provided, multiple submitters, no conflicts (2 of 4 stars). 2 submissions from 2 submitters: Pathogenic (1); Likely pathogenic (1). Last evaluated 2025-06-17.

Conditions:
Anauxetic dysplasia. Identifiers: Orphanet 93347, MedGen C1846796, MONDO:0011773.
Metaphyseal chondrodysplasia, McKusick type (CHH). Also called: Cartilage-hair hypoplasia; Cartilage-Hair Hypoplasia (CHH). Identifiers: Orphanet 175, MedGen C0220748, MONDO:0009595, OMIM 250250.

Submissions (2):

Natera, Inc.
Classification: Likely pathogenic for Cartilage-hair hypoplasia. Last evaluated: 2025-06-17. Review status: criteria provided, single submitter. Criteria: Natera Variant Classification Schema (03/2026). Collection method: clinical testing. Allele origin: germline.
Comment: The n.-24_-9dupACTACTCTGTGAAGCT variant in RMRP is a duplication affecting the RMRP promoter region between the TATA box and the transcription initiation site. Other duplications and insertions just upstream of the transcription initiation site have been reported in individuals affected with cartilage-hair hypoplasia (PMID: 11207361, 17937437). This variant is rare in the general population with a frequency below the threshold expected for the associated phenotype(s). Given the available evidence, this variant is classified as Likely pathogenic.

Labcorp Genetics (formerly Invitae), Labcorp
Classification: Pathogenic for Anauxetic dysplasia. Last evaluated: 2024-02-09. Review status: criteria provided, single submitter. Criteria: Invitae Variant Classification Sherloc (09022015). Collection method: clinical testing. Allele origin: germline.
Comment: This variant occurs in the RMRP gene, which encodes an RNA molecule that does not result in a protein product. This variant is present in population databases (no rsID available, gnomAD 0.002%). While this particular variant has not been reported in the literature, it is located in the promoter region between the TATA box and the transcription initiation site, and other insertions and duplications immediately upstream of the coding sequence have been reported in individuals affected with cartilage-hair hypoplasia-anauxetic dysplasia (CHH-AD) spectrum disorders (PMID: 16244706, 11207361, 12107819). ClinVar contains an entry for this variant (Variation ID: 945885). While functional studies for this variant have not been reported, experimental analyses using patient derived cells, as well as in vitro transfection studies, have shown that promoter insertions result in silencing of RMRP transcription and reduced expression of the gene product (PMID: 11207361, 16254002). For these reasons, this variant has been classified as Pathogenic.

Literature cited by the submitters: PubMed 11207361 (cited by Natera, Inc. and Labcorp Genetics (formerly Invitae), Labcorp); PubMed 17937437 (cited by Natera, Inc.); PubMed 16244706 (cited by Labcorp Genetics (formerly Invitae), Labcorp); PubMed 12107819 (cited by Labcorp Genetics (formerly Invitae), Labcorp); PubMed 16254002 (cited by Labcorp Genetics (formerly Invitae), Labcorp).

NR_003051.3(RMRP):n.-24_-9dupACTACTCTGTGAAGCT

Gene: RMRP (RNA component of mitochondrial RNA processing endoribonuclease; minus strand). Cytogenetic location: 9p13.3.
Variant type: Duplication.
Genome position: GRCh38 VCF-style: chr9-35658026-C-CAGCTTCACAGAGTAGT. GRCh37 (hg19) VCF-style: chr9-35658023-C-CAGCTTCACAGAGTAGT.
Identifiers: ClinVar variation 945885 (VCV000945885.7), dbSNP rs1554651479, ClinGen allele CA587570216.